The following is an entry in ClinVar:

ClinVar aggregate classification (germline): Uncertain significance. Review status: criteria provided, multiple submitters, no conflicts (2 of 4 stars). 3 submissions from 3 submitters: Uncertain significance (3). Last evaluated 2025-06-23.

Conditions:
Leukodystrophy and acquired microcephaly with or without dystonia;. Also called: Leukodystrophy and acquired microcephaly with or without dystonia. Identifiers: MedGen C4225213, MONDO:0014766, OMIM 616763.

Allele frequency attached by ClinVar (database versions not stated): TOPMed 0.00001.
gnomAD v4.1: 39 of 1,614,032 alleles (0.0024%); highest among the groups gnomAD compares: Admixed American, 0.045%; no homozygotes.

Submissions (3):

Ambry Genetics
Classification: Uncertain significance. Last evaluated: 2025-06-23. Review status: criteria provided, single submitter. Criteria: Ambry Variant Classification Scheme 2023. Collection method: clinical testing. Allele origin: germline.

Labcorp Genetics (formerly Invitae), Labcorp
Classification: Uncertain significance. Last evaluated: 2024-12-16. Review status: criteria provided, single submitter. Criteria: Invitae Variant Classification Sherloc (09022015). Collection method: clinical testing. Allele origin: germline.
Comment: This sequence change replaces glutamine, which is neutral and polar, with leucine, which is neutral and non-polar, at codon 1190 of the PLEKHG2 protein (p.Gln1190Leu). This variant is present in population databases (rs764066772, gnomAD 0.06%). This variant has not been reported in the literature in individuals affected with PLEKHG2-related conditions. ClinVar contains an entry for this variant (Variation ID: 1031349). An algorithm developed to predict the effect of missense changes on protein structure and function (PolyPhen-2) suggests that this variant¬†is likely to be tolerated. In summary, the available evidence is currently insufficient to determine the role of this variant in disease. Therefore, it has been classified as a Variant of Uncertain Significance.

Baylor Genetics
Classification: Uncertain significance for Leukodystrophy and acquired microcephaly with or without dystonia;. Last evaluated: 2018-11-08. Review status: criteria provided, single submitter. Criteria: ACMG Guidelines, 2015. Collection method: clinical testing. Allele origin: maternal. Affected: yes.
Comment: This variant was determined to be of uncertain significance according to ACMG Guidelines, 2015 [PMID:25741868].

NM_022835.3(PLEKHG2):c.3569A>T (p.Gln1190Leu)

Gene: PLEKHG2 (pleckstrin homology and RhoGEF domain containing G2; plus strand). Cytogenetic location: 19q13.2.
Variant type: single nucleotide variant.
Coding change: c.3569A>T on transcript NM_022835.3 (MANE Select); coding-DNA position 3569, A replaced by T.
Protein change: p.Gln1190Leu; replaces glutamine 1190 with leucine.
Molecular consequence: missense variant. On other transcripts: intron variant (1).
Genome position (GRCh38, 1-based): chr19:39,424,702, A>T. VCF-style: chr19-39424702-A-T. GRCh37 (hg19) VCF-style: chr19-39915342-A-T.
Other names: c.3392A>T, p.Gln1131Leu (NM_001351693.2); c.1678-536A>T (NM_001351694.2); short protein forms Q1190L, Q1131L.
Identifiers: ClinVar variation 1031349 (VCV001031349.8), dbSNP rs764066772, ClinGen allele CA9430005.